The following is an entry in ClinVar:

ClinVar aggregate classification (germline): Pathogenic. Review status: criteria provided, multiple submitters, no conflicts (2 of 4 stars). 2 submissions from 2 submitters: Pathogenic (2). Last evaluated 2026-06-10.

Conditions:
Osteogenesis imperfecta type I (OI1). Also called: OI, TYPE I; OSTEOGENESIS IMPERFECTA TARDA; OSTEOGENESIS IMPERFECTA WITH BLUE SCLERAE; Osteogenesis imperfecta type 1; Lobstein's Disease; Lobstein disease. Identifiers: Orphanet 216796, Orphanet 666, MedGen C0023931, MONDO:0008146, OMIM 166200. Disease mechanism: loss of function.

Submissions (2):

Women's Health and Genetics/Laboratory Corporation of America, LabCorp
Classification: Pathogenic for Osteogenesis imperfecta type I. Last evaluated: 2026-06-10. Review status: criteria provided, single submitter. Criteria: LabCorp Variant Classification Summary - May 2015. Collection method: clinical testing. Allele origin: germline.
Comment: Variant summary: COL1A1 c.2869C>T (p.Gln957X) results in a premature termination codon, predicted to cause a truncation of the encoded protein or absence of the protein due to nonsense mediated decay, which are commonly known mechanisms for disease. The variant was absent in 250854 control chromosomes. c.2869C>T has been observed in individual(s) affected with COL1A1-related conditions (Ries-Levavi_2004). To our knowledge, no experimental evidence demonstrating an impact on protein function has been reported. The following publications have been ascertained in the context of this evaluation (PMID: 15024745). ClinVar contains an entry for this variant (Variation ID: 4710404). Based on the evidence outlined above, the variant was classified as pathogenic.

Labcorp Genetics (formerly Invitae), Labcorp
Classification: Pathogenic for Osteogenesis imperfecta type I. Last evaluated: 2025-11-02. Review status: criteria provided, single submitter. Criteria: Invitae Variant Classification Sherloc (09022015). Collection method: clinical testing. Allele origin: germline.
Comment: This sequence change creates a premature translational stop signal (p.Gln957*) in the COL1A1 gene. It is expected to result in an absent or disrupted protein product. Loss-of-function variants in COL1A1 are known to be pathogenic (PMID: 7942841, 9295084, 9443882). This variant is not present in population databases (gnomAD no frequency). This premature translational stop signal has been observed in individual(s) with osteogenesis imperfecta (PMID: 15024745). For these reasons, this variant has been classified as Pathogenic.

Literature cited by the submitters: PubMed 15024745 (cited by Women's Health and Genetics/Laboratory Corporation of America, LabCorp and Labcorp Genetics (formerly Invitae), Labcorp); PubMed 17392686 (cited by Women's Health and Genetics/Laboratory Corporation of America, LabCorp); PubMed 7942841 (cited by Labcorp Genetics (formerly Invitae), Labcorp); PubMed 9295084 (cited by Labcorp Genetics (formerly Invitae), Labcorp); PubMed 9443882 (cited by Labcorp Genetics (formerly Invitae), Labcorp).

NM_000088.4(COL1A1):c.2869C>T (p.Gln957Ter)

Gene: COL1A1 (collagen type I alpha 1 chain; minus strand). Cytogenetic location: 17q21.33.
Variant type: single nucleotide variant.
Coding change: c.2869C>T on transcript NM_000088.4 (MANE Select); coding-DNA position 2869, C replaced by T.
Protein change: p.Gln957Ter; replaces glutamine 957 with a stop codon.
Molecular consequence: nonsense.
Genome position (GRCh38, 1-based): chr17:50,189,236, G>A on the plus strand (C>T on the coding strand, the complement: COL1A1 is on the minus strand). VCF-style: chr17-50189236-G-A. GRCh37 (hg19) VCF-style: chr17-48266597-G-A.
Other names: short protein forms Q957*.
Identifiers: ClinVar variation 4710404 (VCV004710404.2).
Genomic context (GRCh38, chr17:50,189,236, plus strand): 5'-CAGGAAGACCAGGGAAGCCTCTCTCTCCTCTCTGACCAGGCAGGCCGACCACACCACGCT[G>A]TCCAGCAATACCTTGAGGCCCGGGAGTACCAGGAGCACCCTTTGGGAGGCAAACAGGGGT-3'